The following is an entry in ClinVar:

ClinVar aggregate classification (germline): Pathogenic. Review status: criteria provided, multiple submitters, no conflicts (2 of 4 stars). 3 submissions from 3 submitters: Pathogenic (3). Last evaluated 2025-01-13.

Conditions:
PKD1-related disorder. Also called: PKD1-related condition.
Polycystic kidney disease, adult type (PKD1). Also called: POLYCYSTIC KIDNEY DISEASE 1 WITH OR WITHOUT POLYCYSTIC LIVER DISEASE; Polycystic Kidney Disease 1, Autosomal Dominant; Polycystic kidney disease 1; Polycystic kidney disease 1, severe; Polycystic Kidney, Autosomal Dominant; POLYCYSTIC KIDNEY DISEASE, ADULT, TYPE I. Identifiers: MedGen C3149841, MONDO:0008263, OMIM 173900.

Submissions (3):

GeneDx
Classification: Pathogenic. Last evaluated: 2025-01-13. Review status: criteria provided, single submitter. Criteria: GeneDx Variant Classification Process June 2021. Collection method: clinical testing. Allele origin: germline. Affected: yes.
Comment: Nonsense variant predicted to result in protein truncation or nonsense mediated decay in a gene for which loss of function is a known mechanism of disease; Not observed at significant frequency in large population cohorts (gnomAD); This variant is associated with the following publications: (PMID: 11012875)

Fulgent Genetics
Classification: Pathogenic for Polycystic kidney disease, adult type. Last evaluated: 2024-04-29. Review status: criteria provided, single submitter. Criteria: ACMG Guidelines, 2015. Collection method: clinical testing. Allele origin: germline.

PreventionGenetics, part of Exact Sciences
Classification: Pathogenic for PKD1-related condition. Last evaluated: 2022-11-12. Review status: criteria provided, single submitter. Criteria: ACMG Guidelines, 2015. Collection method: clinical testing. Allele origin: germline.
Comment: The PKD1 c.7672C>T variant is predicted to result in premature protein termination (p.Gln2558*). This variant was reported in an individual with polycystic kidney disease (Phakdeekitcharoen et al. 2000. PubMed ID: 11012875). This variant has not been reported in a large population database, indicating this variant is rare. Nonsense variants in PKD1 are expected to be pathogenic. This variant is interpreted as pathogenic.

NM_001009944.3(PKD1):c.7672C>T (p.Gln2558Ter)

Gene: PKD1 (polycystin 1, transient receptor potential channel interacting; minus strand). Cytogenetic location: 16p13.3.
Variant type: single nucleotide variant.
Coding change: c.7672C>T on transcript NM_001009944.3 (MANE Select); coding-DNA position 7672, C replaced by T.
Protein change: p.Gln2558Ter; replaces glutamine 2558 with a stop codon.
Molecular consequence: nonsense.
Genome position (GRCh38, 1-based): chr16:2,106,122, G>A on the plus strand (C>T on the coding strand, the complement: PKD1 is on the minus strand). VCF-style: chr16-2106122-G-A. GRCh37 (hg19) VCF-style: chr16-2156123-G-A.
Other names: c.7672C>T, p.Gln2558Ter (NM_000296.4); short protein forms Q2558*.
Identifiers: ClinVar variation 2635368 (VCV002635368.3), dbSNP rs2544777318, ClinGen allele CA394368294.